The following is an entry in ClinVar:

NM_001394998.1(TANC2):c.3290G>A (p.Arg1097Gln)

Genes: TANC2 (tetratricopeptide repeat, ankyrin repeat and coiled-coil containing 2; plus strand), LOC105371856 (uncharacterized LOC105371856; minus strand). Cytogenetic location: 17q23.3.
Variant type: single nucleotide variant.
Coding change: c.3290G>A on transcript NM_001394998.1 (MANE Select); coding-DNA position 3290, G replaced by A.
Protein change: p.Arg1097Gln; replaces arginine 1097 with glutamine.
Molecular consequence: missense variant.
Genome position (GRCh38, 1-based): chr17:63,398,873, G>A. VCF-style: chr17-63398873-G-A. GRCh37 (hg19) VCF-style: chr17-61476234-G-A.
Other names: c.3068G>A, p.Arg1023Gln (NM_025185.4); short protein forms R1023Q, R1097Q.
Identifiers: ClinVar variation 1316942 (VCV001316942.5), dbSNP rs976083662, ClinGen allele CA292894642.

ClinVar aggregate classification (germline): Uncertain significance (1 of 4 stars; one submission).

Allele frequency attached by ClinVar (database versions not stated): TOPMed below 0.00001.
gnomAD v4.1: 1 of 1,598,338 alleles (0.000063%); highest among the groups gnomAD compares: South Asian, 0.0011%; no homozygotes.

Submission:

GeneDx
Classification: Uncertain significance. Last evaluated: 2026-01-22. Review status: criteria provided, single submitter. Criteria: GeneDx Variant Classification Process June 2021. Collection method: clinical testing. Allele origin: germline. Affected: yes.
Comment: Not observed at significant frequency in large population cohorts (gnomAD); In silico analysis suggests that this missense variant does not alter protein structure/function; Has not been previously published as pathogenic or benign to our knowledge